The following is an entry in ClinVar:

NM_032043.3(BRIP1):c.1298A>G (p.Lys433Arg)

Gene: BRIP1 (BRCA1 interacting DNA helicase 1; minus strand). Cytogenetic location: 17q23.2.
Variant type: single nucleotide variant.
Coding change: c.1298A>G on transcript NM_032043.3 (MANE Select); coding-DNA position 1298, A replaced by G.
Protein change: p.Lys433Arg; replaces lysine 433 with arginine.
Molecular consequence: missense variant.
Genome position (GRCh38, 1-based): chr17:61,799,142, T>C on the plus strand (A>G on the coding strand, the complement: BRIP1 is on the minus strand). VCF-style: chr17-61799142-T-C. GRCh37 (hg19) VCF-style: chr17-59876503-T-C.
Other names: short protein forms K433R.
Identifiers: ClinVar variation 3825688 (VCV003825688.1).
Genomic context (GRCh38, chr17:61,799,142, plus strand): 5'-ATAGACAAATCTTCTTACTTAATGAGGCTACAGCACACAGCTCGTAGGGGTTCATGATCT[T>C]TCTTCCTTATATTATTGTTGACCATACTATCTAGTTCATCCCGAGCAAACCGAAGCTGAA-3'
Protein context (NP_114432.2, residues 423-443): DSMVNNNIRK[Lys433Arg]DHEPLRAVCC

ClinVar aggregate classification (germline): Uncertain significance (1 of 4 stars; one submission).

Conditions:
Hereditary cancer-predisposing syndrome. Also called: Hereditary neoplastic syndrome; Neoplastic Syndromes, Hereditary; Tumor predisposition; Hereditary Cancer Syndrome. Identifiers: Orphanet 140162, MedGen C0027672, MeSH D009386, MONDO:0015356.

Submission:

Ambry Genetics
Classification: Uncertain significance for Hereditary cancer-predisposing syndrome. Last evaluated: 2025-02-06. Review status: criteria provided, single submitter. Criteria: Ambry Variant Classification Scheme 2023. Collection method: clinical testing. Allele origin: germline.
Comment: The p.K433R variant (also known as c.1298A>G), located in coding exon 8 of the BRIP1 gene, results from an A to G substitution at nucleotide position 1298. The lysine at codon 433 is replaced by arginine, an amino acid with highly similar properties. This amino acid position is conserved. In addition, this alteration is predicted to be tolerated by in silico analysis. Based on the available evidence, the clinical significance of this variant remains unclear.